The following is an entry in ClinVar:

NM_024675.4(PALB2):c.108+2_108+12delinsCGGC

Gene: PALB2 (partner and localizer of BRCA2; minus strand). Cytogenetic location: 16p12.2.
Variant type: Indel.
Coding change: c.108+2_108+12delinsCGGC on transcript NM_024675.4 (MANE Select); the canonical splice donor site of the intron after coding-DNA position 108 through 12 bases into the intron after coding-DNA position 108, TAAGTGAATCG replaced by CGGC.
Molecular consequence: splice donor variant.
Genome position (GRCh38, 1-based): chr16:23,638,058-23,638,068, CGATTCACTTA replaced by GCCG on the plus strand (TAAGTGAATCG replaced by CGGC on the coding strand, the reverse complement: PALB2 is on the minus strand). VCF-style: chr16-23638058-CGATTCACTTA-GCCG. GRCh37 (hg19) VCF-style: chr16-23649379-CGATTCACTTA-GCCG.
Identifiers: ClinVar variation 818336 (VCV000818336.4), dbSNP rs1597101736, ClinGen allele CA915949142.

ClinVar aggregate classification (germline): Likely pathogenic (1 of 4 stars; one submission).

Conditions:
Hereditary cancer-predisposing syndrome. Also called: Tumor predisposition; Hereditary neoplastic syndrome; Neoplastic Syndromes, Hereditary; Hereditary Cancer Syndrome. Identifiers: Orphanet 140162, MedGen C0027672, MeSH D009386, MONDO:0015356.

Submission:

Ambry Genetics
Classification: Likely pathogenic for Hereditary cancer-predisposing syndrome. Last evaluated: 2018-05-16. Review status: criteria provided, single submitter. Criteria: Ambry Variant Classification Scheme 2023. Collection method: clinical testing. Allele origin: germline.
Comment: The c.108+2_108+12del11insCGGC intronic variant, located in intron 2 of the PALB2 gene, results from an in-frame from the deletion of 11 nucleotides and the insertion of 4 nucleotides at nucleotide position 108. Using the BDGP and ESEfinder splice site prediction tools, this alteration is predicted to abolish the native splice donor site; however, direct evidence is unavailable. Alterations that disrupt the canonical splice site are expected to cause aberrant splicing, resulting in an abnormal protein or a transcript that is subject to nonsense-mediated mRNA decay. As such, this alteration is classified as likely pathogenic.